The following is an entry in ClinVar:

ClinVar aggregate classification (germline): Pathogenic/Likely pathogenic. Review status: criteria provided, multiple submitters, no conflicts (2 of 4 stars). 5 submissions from 5 submitters: Pathogenic (3); Likely pathogenic (2). Last evaluated 2026-03-10.

Conditions:
OCA2-related disorder. Also called: OCA2-related condition.
Tyrosinase-positive oculocutaneous albinism (OCA2). Also called: ALBINISM II; Albinism, oculocutaneous, type II; Oculocutaneous albinism type 2. Identifiers: Orphanet 79432, MedGen C0268495, MONDO:0008746, OMIM 203200.
SKIN/HAIR/EYE PIGMENTATION 1, BLUE/NONBLUE EYES (SHEP1). Also called: BROWN EYE COLOR 2; SKIN/HAIR/EYE PIGMENTATION 1, BLOND/BROWN HAIR; SKIN/HAIR/EYE PIGMENTATION 1, BLUE/BROWN EYES; EYE COLOR 3; EYE COLOR, BLUE/NONBLUE; EYE COLOR, BROWN/BLUE. Identifiers: MedGen C1856895, OMIM 227220.

Allele frequency attached by ClinVar (database versions not stated): gnomAD exomes below 0.00001; TOPMed below 0.00001; ExAC 0.00001.
gnomAD v4.1: 2 of 1,608,932 alleles (0.00012%); highest among the groups gnomAD compares: Admixed American, 0.0017%; no homozygotes.

Submissions (5):

GeneDx
Classification: Pathogenic. Last evaluated: 2026-03-10. Review status: criteria provided, single submitter. Criteria: GeneDx Variant Classification Process June 2021. Collection method: clinical testing. Allele origin: germline.
Comment: Canonical splice site variant predicted to result in a null allele in a gene for which loss of function is a known mechanism of disease; Not observed at significant frequency in large population cohorts (gnomAD); This variant is associated with the following publications: (PMID: 10649493, 34838614, 29345414)

Fulgent Genetics
Classification: Likely pathogenic for Tyrosinase-positive oculocutaneous albinism; SKIN/HAIR/EYE PIGMENTATION 1, BLUE/NONBLUE EYES. Last evaluated: 2024-04-09. Review status: criteria provided, single submitter. Criteria: ACMG Guidelines, 2015. Collection method: clinical testing. Allele origin: germline.

Labcorp Genetics (formerly Invitae), Labcorp
Classification: Pathogenic. Last evaluated: 2024-03-18. Review status: criteria provided, single submitter. Criteria: Invitae Variant Classification Sherloc (09022015). Collection method: clinical testing. Allele origin: germline.
Comment: This sequence change affects an acceptor splice site in intron 14 of the OCA2 gene. It is expected to disrupt RNA splicing. Variants that disrupt the donor or acceptor splice site typically lead to a loss of protein function (PMID: 16199547), and loss-of-function variants in OCA2 are known to be pathogenic (PMID: 19865097, 21541274). The frequency data for this variant in the population databases is considered unreliable, as metrics indicate poor data quality at this position in the gnomAD database. Disruption of this splice site has been observed in individual(s) with oculocutaneous albinism (PMID: 10649493, 29345414). In at least one individual the data is consistent with being in trans (on the opposite chromosome) from a pathogenic variant. This variant is also known as IVS14-2 (a→g). ClinVar contains an entry for this variant (Variation ID: 1388929). Algorithms developed to predict the effect of sequence changes on RNA splicing suggest that this variant may disrupt the consensus splice site. For these reasons, this variant has been classified as Pathogenic.

Baylor Genetics
Classification: Pathogenic for SKIN/HAIR/EYE PIGMENTATION 1, BLUE/NONBLUE EYES. Last evaluated: 2023-12-24. Review status: criteria provided, single submitter. Criteria: ACMG Guidelines, 2015. Collection method: clinical testing. Allele origin: unknown.

Blueprint Genetics
Classification: Likely pathogenic for OCA2-related disorders. Last evaluated: 2020-07-08. Review status: criteria provided, single submitter. Criteria: ACMG Guidelines, 2015. Collection method: clinical testing. Allele origin: germline. Affected: yes. Observed: 3 variant alleles.

Literature cited by the submitters: PubMed 16199547 (cited by Labcorp Genetics (formerly Invitae), Labcorp); PubMed 19865097 (cited by Labcorp Genetics (formerly Invitae), Labcorp); PubMed 21541274 (cited by Labcorp Genetics (formerly Invitae), Labcorp); PubMed 10649493 (cited by Labcorp Genetics (formerly Invitae), Labcorp); PubMed 29345414 (cited by Labcorp Genetics (formerly Invitae), Labcorp).

NM_000275.3(OCA2):c.1504-2A>G

Gene: OCA2 (OCA2 melanosomal transmembrane protein; minus strand). Cytogenetic location: 15q13.1.
Variant type: single nucleotide variant.
Coding change: c.1504-2A>G on transcript NM_000275.3 (MANE Select); the canonical splice acceptor site of the intron before coding-DNA position 1504, A replaced by G.
Molecular consequence: splice acceptor variant.
Genome position (GRCh38, 1-based): chr15:27,966,824, T>C on the plus strand (A>G on the coding strand, the complement: OCA2 is on the minus strand). VCF-style: chr15-27966824-T-C. GRCh37 (hg19) VCF-style: chr15-28211970-T-C.
Other names: c.1432-2A>G (NM_001300984.2).
Identifiers: ClinVar variation 1388929 (VCV001388929.12), dbSNP rs752460023, ClinGen allele CA7439006.